The following is an entry in ClinVar:

ClinVar aggregate classification (germline): Uncertain significance (1 of 4 stars; one submission).

Submission:

Labcorp Genetics (formerly Invitae), Labcorp
Classification: Uncertain significance. Last evaluated: 2024-05-08. Review status: criteria provided, single submitter. Criteria: Invitae Variant Classification Sherloc (09022015). Collection method: clinical testing. Allele origin: germline.
Comment: This sequence change replaces glutamic acid, which is acidic and polar, with aspartic acid, which is acidic and polar, at codon 20 of the ARIH1 protein (p.Glu20Asp). This variant is not present in population databases (gnomAD no frequency). This variant has not been reported in the literature in individuals affected with ARIH1-related conditions. Experimental studies and prediction algorithms are not available or were not evaluated, and the functional significance of this variant is currently unknown. In summary, the available evidence is currently insufficient to determine the role of this variant in disease. Therefore, it has been classified as a Variant of Uncertain Significance.

NM_005744.5(ARIH1):c.60G>C (p.Glu20Asp)

Gene: ARIH1 (ariadne RBR E3 ubiquitin protein ligase 1; plus strand). Cytogenetic location: 15q24.1.
Variant type: single nucleotide variant.
Coding change: c.60G>C on transcript NM_005744.5 (MANE Select); coding-DNA position 60, G replaced by C.
Protein change: p.Glu20Asp; replaces glutamic acid 20 with aspartic acid.
Molecular consequence: missense variant.
Genome position (GRCh38, 1-based): chr15:72,474,699, G>C. VCF-style: chr15-72474699-G-C. GRCh37 (hg19) VCF-style: chr15-72767040-G-C.
Other names: short protein forms E20D.
Identifiers: ClinVar variation 2871073 (VCV002871073.3), dbSNP rs1316007172, ClinGen allele CA393236327.